The following is an entry in ClinVar:

ClinVar aggregate classification (germline): Pathogenic/Likely pathogenic. Review status: criteria provided, multiple submitters, no conflicts (2 of 4 stars). 2 submissions from 2 submitters: Pathogenic (1); Likely pathogenic (1). Last evaluated 2022-06-03.

Conditions:
TTC21B-related disorder. Also called: TTC21B-related condition; TTC21B-related disorders.
Jeune thoracic dystrophy. Also called: Short-rib thoracic dysplasia; Jeune syndrome; Infantile thoracic dystrophy; Thoracic pelvic phalangeal dystrophy; Jeune's syndrome; Chondroectodermal dysplasia-like syndrome. Identifiers: Orphanet 474, MedGen C0265275, MONDO:0018770.
Nephronophthisis. Also called: Juvenile Nephronophthisis. Identifiers: Orphanet 655, MedGen C0687120, MONDO:0019005, HP:0000090.

Submissions (2):

Labcorp Genetics (formerly Invitae), Labcorp
Classification: Pathogenic for Jeune thoracic dystrophy; Nephronophthisis. Last evaluated: 2022-06-03. Review status: criteria provided, single submitter. Criteria: Invitae Variant Classification Sherloc (09022015). Collection method: clinical testing. Allele origin: germline.
Comment: This sequence change creates a premature translational stop signal (p.Glu1244Alafs*11) in the TTC21B gene. It is expected to result in an absent or disrupted protein product. Loss-of-function variants in TTC21B are known to be pathogenic (PMID: 18327258, 21068128, 21258341, 23559409, 24876116, 25492405, 27491411, 29068549). This variant is not present in population databases (gnomAD no frequency). This variant has not been reported in the literature in individuals affected with TTC21B-related conditions. For these reasons, this variant has been classified as Pathogenic.

Blueprint Genetics
Classification: Likely pathogenic for TTC21B-related disorders. Last evaluated: 2019-10-09. Review status: criteria provided, single submitter. Criteria: ACMG Guidelines, 2015. Collection method: clinical testing. Allele origin: germline. Affected: yes. Observed: 1 variant allele.

Literature cited by the submitters: PubMed 18327258 (cited by Labcorp Genetics (formerly Invitae), Labcorp); PubMed 21068128 (cited by Labcorp Genetics (formerly Invitae), Labcorp); PubMed 21258341 (cited by Labcorp Genetics (formerly Invitae), Labcorp); PubMed 23559409 (cited by Labcorp Genetics (formerly Invitae), Labcorp); PubMed 24876116 (cited by Labcorp Genetics (formerly Invitae), Labcorp); PubMed 25492405 (cited by Labcorp Genetics (formerly Invitae), Labcorp); PubMed 27491411 (cited by Labcorp Genetics (formerly Invitae), Labcorp); PubMed 29068549 (cited by Labcorp Genetics (formerly Invitae), Labcorp).

NM_024753.5(TTC21B):c.3731_3732del (p.Glu1244fs)

Gene: TTC21B (tetratricopeptide repeat domain 21B; minus strand). Cytogenetic location: 2q24.3.
Variant type: Microsatellite.
Coding change: c.3731_3732del on transcript NM_024753.5 (MANE Select); coding-DNA positions 3731 to 3732, 2 bases deleted (AG; older notation c.3731_3732delAG).
Protein change: p.Glu1244fs; shifts the reading frame from glutamic acid 1244.
Molecular consequence: frameshift variant.
Genome position (GRCh38, 1-based): chr2:165,880,752-165,880,753, CT deleted on the plus strand (AG on the coding strand, the reverse complement: TTC21B is on the minus strand); deleting any 2 consecutive bases within chr2:165,880,752-165,880,755 gives the same sequence; the c. name uses the placement nearest the transcript's 3' end. VCF-style (leftmost placement, unchanged base first): chr2-165880751-GCT-G. GRCh37 (hg19) VCF-style: chr2-166737261-GCT-G.
Other names: short protein forms E1244fs.
Identifiers: ClinVar variation 2001013 (VCV002001013.5), dbSNP rs2468104296, ClinGen allele CA2580614383.